The following is an entry in ClinVar:

NM_004036.5(ADCY3):c.2551C>G (p.Leu851Val)

Gene: ADCY3 (adenylate cyclase 3; minus strand). Cytogenetic location: 2p23.3.
Variant type: single nucleotide variant.
Coding change: c.2551C>G on transcript NM_004036.5 (MANE Select); coding-DNA position 2551, C replaced by G.
Protein change: p.Leu851Val; replaces leucine 851 with valine.
Molecular consequence: missense variant. On other transcripts: intron variant (1).
Genome position (GRCh38, 1-based): chr2:24,826,071, G>C on the plus strand (C>G on the coding strand, the complement: ADCY3 is on the minus strand). VCF-style: chr2-24826071-G-C. GRCh37 (hg19) VCF-style: chr2-25048940-G-C.
Other names: c.2554C>G, p.Leu852Val (NM_001320613.2); c.2617C>G, p.Leu873Val (NM_001377128.1); c.2413C>G, p.Leu805Val (NM_001377129.1); c.1828C>G, p.Leu610Val (NM_001377131.1); c.2551C>G, p.Leu851Val (NM_001377132.1); c.2173-1535C>G (NM_001377130.1); short protein forms L610V, L805V, L851V, L852V, L873V.
Identifiers: ClinVar variation 3036467 (VCV003036467.2), dbSNP rs1287549026, ClinGen allele CA346064653.

ClinVar aggregate classification (germline): Uncertain significance (0 of 4 stars; one submission).

Conditions:
ADCY3-related disorder. Also called: ADCY3-related condition.

Allele frequency attached by ClinVar (database versions not stated): TOPMed below 0.00001; gnomAD 0.00001.
gnomAD v4.1: 4 of 1,614,032 alleles (0.00025%); highest among the groups gnomAD compares: Admixed American, 0.0067%; no homozygotes.

Submission:

PreventionGenetics, part of Exact Sciences
Classification: Uncertain significance for ADCY3-related condition. Last evaluated: 2024-05-28. Review status: no assertion criteria provided. Collection method: clinical testing. Allele origin: germline.
Comment: The ADCY3 c.2554C>G variant is predicted to result in the amino acid substitution p.Leu852Val. To our knowledge, this variant has not been reported in the literature. This variant is reported in 0.0085% of alleles in individuals of Latino descent in gnomAD. At this time, the clinical significance of this variant is uncertain due to the absence of conclusive functional and genetic evidence.